The following is an entry in ClinVar:

NM_001845.6(COL4A1):c.-90G>A

Gene: COL4A1 (collagen type IV alpha 1 chain; minus strand). Cytogenetic location: 13q34.
Variant type: single nucleotide variant.
Coding change: c.-90G>A on transcript NM_001845.6 (MANE Select); 90 bases upstream of the start codon, G replaced by A.
Molecular consequence: 5 prime UTR variant.
Genome position (GRCh38, 1-based): chr13:110,307,117, C>T on the plus strand (G>A on the coding strand, the complement: COL4A1 is on the minus strand). VCF-style: chr13-110307117-C-T. GRCh37 (hg19) VCF-style: chr13-110959464-C-T.
Other names: c.-90G>A (NM_001303110.2).
Identifiers: ClinVar variation 881059 (VCV000881059.29), dbSNP rs113651836, ClinGen allele CA256274491.

ClinVar aggregate classification (germline): Conflicting classifications of pathogenicity. Review status: criteria provided, conflicting classifications (1 of 4 stars). 3 submissions from 2 submitters: Uncertain significance (2); Likely benign (1). Last evaluated 2026-01-01.

Conditions:
Brain small vessel disease 1 with or without ocular anomalies (BSVD1). Also called: PORENCEPHALY, TYPE 1, AUTOSOMAL DOMINANT; BRAIN SMALL VESSEL DISEASE WITH HEMORRHAGE; GOULD SYNDROME 1; Brain small vessel disease with or without ocular anomalies. Identifiers: Orphanet 2940, Orphanet 36383, Orphanet 99810, MedGen C4755307, MONDO:0008289, OMIM 175780.
Autosomal dominant familial hematuria-retinal arteriolar tortuosity-contractures syndrome. Also called: Angiopathy, hereditary, with nephropathy, aneurysms, and muscle cramps; Hereditary Angiopathy with Nephropathy, Aneurysms, and Muscle Cramps (HANAC) Syndrome. Identifiers: Orphanet 73229, MedGen C2673195, MONDO:0012726, OMIM 611773.

Allele frequency attached by ClinVar (database versions not stated): 1000 Genomes Project 30x 0.00031.
gnomAD v4.1: 746 of 1,082,606 alleles (0.069%); highest among the groups gnomAD compares: Non-Finnish European, 0.051%; 4 homozygotes.

Submissions (3):

CeGaT Center for Human Genetics Tuebingen
Classification: Likely benign. Last evaluated: 2026-01-01. Review status: criteria provided, single submitter. Criteria: CeGaT Center For Human Genetics Tuebingen Variant Classification Criteria Version 2. Collection method: clinical testing. Allele origin: germline. Affected: yes. Observed: 5 variant alleles.
Comment: COL4A1: BS1

Illumina Laboratory Services, Illumina
Classification: Uncertain significance for Brain small vessel disease 1 with or without ocular anomalies. Last evaluated: 2017-04-27. Review status: criteria provided, single submitter. Criteria: ICSL Variant Classification Criteria 13 December 2019. Collection method: clinical testing. Allele origin: germline.
Comment: This variant was observed as part of a predisposition screen in an ostensibly healthy population. A literature search was performed for the gene, cDNA change, and amino acid change (where applicable). Publications were found based on this search. However, the evidence from the literature, in combination with allele frequency data from public databases where available, was not sufficient to rule this variant in or out of causing disease. Therefore, this variant is classified as a variant of unknown significance.

Illumina Laboratory Services, Illumina
Classification: Uncertain significance for Autosomal dominant familial hematuria-retinal arteriolar tortuosity-contractures syndrome. Last evaluated: 2017-04-27. Review status: criteria provided, single submitter. Criteria: ICSL Variant Classification Criteria 13 December 2019. Collection method: clinical testing. Allele origin: germline.

Literature cited by the submitters: PubMed 21527998 (cited by Illumina Laboratory Services, Illumina).